The following is an entry in ClinVar:

NM_000719.7(CACNA1C):c.4527-20T>C

Gene: CACNA1C (calcium voltage-gated channel subunit alpha1 C; plus strand). Cytogenetic location: 12p13.33.
Variant type: single nucleotide variant.
Coding change: c.4527-20T>C on transcript NM_000719.7 (MANE Select); 20 bases into the intron before coding-DNA position 4527, T replaced by C.
Molecular consequence: intron variant.
Genome position (GRCh38, 1-based): chr12:2,666,666, T>C. VCF-style: chr12-2666666-T-C. GRCh37 (hg19) VCF-style: chr12-2775832-T-C.
Other names: c.4527-20T>C (NM_001167624.3, NM_001167623.2, NM_001129840.2 and 7 more transcripts); c.4494-20T>C (NM_001167625.2, NM_001129837.2, NM_001129838.2 and 1 more transcripts); c.4671-20T>C (NM_199460.4, NM_001129827.2); c.4587-20T>C (NM_001129832.2); c.4611-20T>C (NM_001129831.2); c.4593-20T>C (NM_001129829.2); c.4488-20T>C (NM_001129839.2); c.4578-20T>C (NM_001129836.2); and 1 more.
Identifiers: ClinVar variation 136626 (VCV000136626.1), dbSNP rs587780879, ClinGen allele CA289866.

ClinVar aggregate classification (germline): Benign (1 of 4 stars; one submission).

Submission:

GeneDx
Classification: Benign. Last evaluated: 2014-01-11. Review status: criteria provided, single submitter. Criteria: GeneDx Variant Classification (06012015). Collection method: clinical testing. Allele origin: germline. Affected: yes.
Comment: This variant is considered likely benign or benign based on one or more of the following criteria: it is a conservative change, it occurs at a poorly conserved position in the protein, it is predicted to be benign by multiple in silico algorithms, and/or has population frequency not consistent with disease.